The following is an entry in ClinVar:

ClinVar aggregate classification (germline): Uncertain significance (1 of 4 stars; one submission).

Conditions:
Neuropathy, hereditary sensory and autonomic, type 2A (HSAN2A). Also called: ACROOSTEOLYSIS, GIACCAI TYPE; ACROOSTEOLYSIS, NEUROGENIC; WNK1-Related HSAN2 (HSAN2A); MORVAN DISEASE; NEUROPATHY, CONGENITAL SENSORY; NEUROPATHY, HEREDITARY SENSORY RADICULAR, AUTOSOMAL RECESSIVE. Identifiers: Orphanet 970, MedGen C2752089, MONDO:0024309, OMIM 201300.
Generalized epilepsy with febrile seizures plus, type 7 (GEFSP7). Also called: GEFS+, TYPE 7. Identifiers: Orphanet 36387, MedGen C2751778, MONDO:0013470, OMIM 613863.

gnomAD v4.1: 5 of 1,589,396 alleles (0.00031%); highest among the groups gnomAD compares: Non-Finnish European, 0.00043%; no homozygotes.

Submission:

Labcorp Genetics (formerly Invitae), Labcorp
Classification: Uncertain significance for Neuropathy, hereditary sensory and autonomic, type 2A; Generalized epilepsy with febrile seizures plus, type 7. Last evaluated: 2024-10-15. Review status: criteria provided, single submitter. Criteria: Invitae Variant Classification Sherloc (09022015). Collection method: clinical testing. Allele origin: germline.
Comment: This sequence change replaces isoleucine, which is neutral and non-polar, with threonine, which is neutral and polar, at codon 720 of the SCN9A protein (p.Ile720Thr). The frequency data for this variant in the population databases is considered unreliable, as metrics indicate poor data quality at this position in the gnomAD database. This variant has not been reported in the literature in individuals affected with SCN9A-related conditions. Invitae Evidence Modeling of protein sequence and biophysical properties (such as structural, functional, and spatial information, amino acid conservation, physicochemical variation, residue mobility, and thermodynamic stability) indicates that this missense variant is not expected to disrupt SCN9A protein function with a negative predictive value of 95%. In summary, the available evidence is currently insufficient to determine the role of this variant in disease. Therefore, it has been classified as a Variant of Uncertain Significance.

NM_001365536.1(SCN9A):c.2192T>C (p.Ile731Thr)

Genes: SCN9A (sodium voltage-gated channel alpha subunit 9; minus strand), SCN1A-AS1 (SCN1A and SCN9A antisense RNA 1; plus strand). Cytogenetic location: 2q24.3.
Variant type: single nucleotide variant.
Coding change: c.2192T>C on transcript NM_001365536.1 (MANE Select); coding-DNA position 2192, T replaced by C.
Protein change: p.Ile731Thr; replaces isoleucine 731 with threonine.
Molecular consequence: missense variant.
Genome position (GRCh38, 1-based): chr2:166,280,508, A>G on the plus strand (T>C on the coding strand, the complement: SCN9A is on the minus strand). VCF-style: chr2-166280508-A-G. GRCh37 (hg19) VCF-style: chr2-167137018-A-G.
Other names: c.2159T>C, p.Ile720Thr (NM_002977.4); short protein forms I720T, I731T.
Identifiers: ClinVar variation 2931623 (VCV002931623.3), dbSNP rs200945460, ClinGen allele CA349079761.
Genomic context (GRCh38, chr2:166,280,508, plus strand): 5'-GTAATTGCAAGATCTACAAAAGGATCCATTACAATAAAATAGATACACTTTTTGAATTTT[A>G]TCCAATATGGAGAGCAATTCCAGATCAAGAATTTGTGTGCAAATCTGTACCACCAAGGTG-3'
Protein context (NP_001352465.1, residues 721-741): FLIWNCSPYW[Ile731Thr]KFKKCIYFIV